The following is an entry in ClinVar:

ClinVar aggregate classification (germline): Likely pathogenic (1 of 4 stars; one submission).

Conditions:
LAMA2-related muscular dystrophy (LAMA2-RD). Also called: Laminin alpha 2-related dystrophy. Identifiers: MedGen C5679788, MONDO:0100228.

Submission:

Labcorp Genetics (formerly Invitae), Labcorp
Classification: Likely pathogenic for LAMA2-related muscular dystrophy. Last evaluated: 2020-02-18. Review status: criteria provided, single submitter. Criteria: Invitae Variant Classification Sherloc (09022015). Collection method: clinical testing. Allele origin: germline.
Comment: This variant results in a copy number gain of the genomic region encompassing exon 30 of the LAMA2 gene. While the exact position of this variant cannot be determined from this data, sub-genic copy number gains are generally in tandem (PMID: 25640679) and may result in an absent or disrupted protein product. This variant has not been reported in the literature in individuals with LAMA2-related conditions. Loss-of-function variants in LAMA2 are known to be pathogenic (PMID: 18700894). In summary, the currently available evidence indicates that the variant is pathogenic, but additional data are needed to prove that conclusively. Therefore, this variant has been classified as Likely Pathogenic.

Literature cited by the submitters: PubMed 25640679; PubMed 18700894.

NC_000006.11:g.(?_129660158)_129663613dup

Gene: LAMA2 (laminin subunit alpha 2; plus strand).
Variant type: Duplication.
Identifiers: ClinVar variation 1066735 (VCV001066735.2).